The following is an entry in ClinVar:

NM_001001957.2(OR2W3):c.232A>C (p.Ile78Leu)

Gene: OR2W3 (olfactory receptor family 2 subfamily W member 3; plus strand). Cytogenetic location: 1q44.
Variant type: single nucleotide variant.
Coding change: c.232A>C on transcript NM_001001957.2 (MANE Select); coding-DNA position 232, A replaced by C.
Protein change: p.Ile78Leu; replaces isoleucine 78 with leucine.
Molecular consequence: missense variant.
Genome position (GRCh38, 1-based): chr1:247,895,818, A>C. VCF-style: chr1-247895818-A-C. GRCh37 (hg19) VCF-style: chr1-248059120-A-C.
Other names: short protein forms I78L.
Identifiers: ClinVar variation 1928148 (VCV001928148.6), dbSNP rs374032037, ClinGen allele CA1498547.
Genomic context (GRCh38, chr1:247,895,818, plus strand): 5'-CCCATGTACTTCTTCCTCGCCCACCTTTCCTTCCTGGACCTCAGTTTCACCACCAGCTCC[A>C]TCCCCCAGCTGCTCTACAACCTTAATGGATGTGACAAGACCATCAGCTACATGGGCTGTG-3'
Protein context (NP_001001957.2, residues 68-88): FLDLSFTTSS[Ile78Leu]PQLLYNLNGC

ClinVar aggregate classification (germline): Uncertain significance. Review status: criteria provided, multiple submitters, no conflicts (2 of 4 stars). 2 submissions from 2 submitters: Uncertain significance (2). Last evaluated 2024-12-17.

Allele frequency attached by ClinVar (database versions not stated): gnomAD exomes below 0.00001; gnomAD 0.00001; ExAC 0.00002; TOPMed 0.00004; ESP Exome Variant Server 0.00008.

Submissions (2):

Ambry Genetics
Classification: Uncertain significance. Last evaluated: 2024-12-17. Review status: criteria provided, single submitter. Criteria: Ambry Variant Classification Scheme 2023. Collection method: clinical testing. Allele origin: germline.

Labcorp Genetics (formerly Invitae), Labcorp
Classification: Uncertain significance. Last evaluated: 2022-05-12. Review status: criteria provided, single submitter. Criteria: Invitae Variant Classification Sherloc (09022015). Collection method: clinical testing. Allele origin: germline.
Comment: In summary, the available evidence is currently insufficient to determine the role of this variant in disease. Therefore, it has been classified as a Variant of Uncertain Significance. Algorithms developed to predict the effect of missense changes on protein structure and function are either unavailable or do not agree on the potential impact of this missense change (SIFT: "Deleterious"; PolyPhen-2: "Benign"; Align-GVGD: "Class C0"). This variant has not been reported in the literature in individuals affected with OR2W3-related conditions. This variant is present in population databases (rs374032037, gnomAD 0.02%). This sequence change replaces isoleucine, which is neutral and non-polar, with leucine, which is neutral and non-polar, at codon 78 of the OR2W3 protein (p.Ile78Leu).